The following is an entry in ClinVar:

ClinVar aggregate classification (germline): Uncertain significance (1 of 4 stars; one submission).

gnomAD v4.1: 5 of 1,614,082 alleles (0.00031%); highest among the groups gnomAD compares: South Asian, 0.0055%; no homozygotes.

Submission:

Ambry Genetics
Classification: Uncertain significance. Last evaluated: 2024-06-24. Review status: criteria provided, single submitter. Criteria: Ambry Variant Classification Scheme 2023. Collection method: clinical testing. Allele origin: germline.
Comment: The p.L44V variant (also known as c.130C>G), located in coding exon 1 of the EGLN2 gene, results from a C to G substitution at nucleotide position 130. The leucine at codon 44 is replaced by valine, an amino acid with highly similar properties. This amino acid position is conserved. In addition, this alteration is predicted to be tolerated by in silico analysis. Based on the available evidence, the clinical significance of this variant remains unclear.

NM_080732.4(EGLN2):c.130C>G (p.Leu44Val)

Genes: EGLN2 (egl-9 family hypoxia inducible factor 2; plus strand), RAB4B-EGLN2 (RAB4B-EGLN2 readthrough (NMD candidate); plus strand). Cytogenetic location: 19q13.2.
Variant type: single nucleotide variant.
Coding change: c.130C>G on transcript NM_080732.4 (MANE Select); coding-DNA position 130, C replaced by G.
Protein change: p.Leu44Val; replaces leucine 44 with valine.
Molecular consequence: missense variant. On other transcripts: non-coding transcript variant (1).
Genome position (GRCh38, 1-based): chr19:40,800,702, C>G. VCF-style: chr19-40800702-C-G. GRCh37 (hg19) VCF-style: chr19-41306607-C-G.
Other names: c.130C>G, p.Leu44Val (NM_053046.4); short protein forms L44V.
Identifiers: ClinVar variation 3274838 (VCV003274838.1).